The following is an entry in ClinVar:

NM_025243.4(SLC19A3):c.1132A>G (p.Ile378Val)

Gene: SLC19A3 (solute carrier family 19 member 3; minus strand). Cytogenetic location: 2q36.3.
Variant type: single nucleotide variant.
Coding change: c.1132A>G on transcript NM_025243.4 (MANE Select); coding-DNA position 1132, A replaced by G.
Protein change: p.Ile378Val; replaces isoleucine 378 with valine.
Molecular consequence: missense variant.
Genome position (GRCh38, 1-based): chr2:227,695,929, T>C on the plus strand (A>G on the coding strand, the complement: SLC19A3 is on the minus strand). VCF-style: chr2-227695929-T-C. GRCh37 (hg19) VCF-style: chr2-228560645-T-C.
Other names: short protein forms I378V.
Identifiers: ClinVar variation 334878 (VCV000334878.23), dbSNP rs117864472, ClinGen allele CA2149152.

ClinVar aggregate classification (germline): Benign/Likely benign. Review status: criteria provided, multiple submitters, no conflicts (2 of 4 stars). 7 submissions from 7 submitters: Benign (2); Likely benign (4). 1 of the submissions does not count toward it. Last evaluated 2026-02-02.

Conditions:
SLC19A3-related disorder. Also called: SLC19A3-related condition.
Biotin-responsive basal ganglia disease (BTBGD). Also called: Thiamine metabolism dysfunction syndrome type 2; Thiamine Transporter-2 Deficiency; Thiamine metabolism dysfunction syndrome 2 (biotin- or thiamine-responsive encephalopathy type 2); thiamine-responsive encephalopathy; THIAMINE METABOLISM DYSFUNCTION SYNDROME 2 (BIOTIN- AND THIAMINE-RESPONSIVE TYPE). Identifiers: Orphanet 199348, Orphanet 65284, MedGen C1843807, MONDO:0011841, OMIM 607483.

Allele frequency attached by ClinVar (database versions not stated): ESP Exome Variant Server 0.00015; gnomAD 0.00062 and 0.00090; gnomAD exomes 0.00072 and 0.00198; TOPMed 0.00134; 1000 Genomes Project 0.00379; ExAC 0.00199; 1000 Genomes Project 30x 0.00375.
gnomAD v4.1: 1,203 of 1,614,094 alleles (0.075%); highest among the groups gnomAD compares: East Asian, 2.2%; 18 homozygotes.

Submissions (7):

Labcorp Genetics (formerly Invitae), Labcorp
Classification: Benign for Biotin-responsive basal ganglia disease. Last evaluated: 2026-02-02. Review status: criteria provided, single submitter. Criteria: Invitae Variant Classification Sherloc (09022015). Collection method: clinical testing. Allele origin: germline.

ARUP Laboratories, Molecular Genetics and Genomics, ARUP Laboratories
Classification: Likely benign for Biotin-responsive basal ganglia disease. Last evaluated: 2025-04-28. Review status: criteria provided, single submitter. Criteria: ARUP Molecular Germline Variant Investigation Process 2024. Collection method: clinical testing. Allele origin: germline.

Blueprint Genetics
Classification: Likely benign. Last evaluated: 2024-11-18. Review status: criteria provided, single submitter. Criteria: ACMG Guidelines, 2015. Collection method: clinical testing. Allele origin: germline.

GeneDx
Classification: Benign. Last evaluated: 2018-12-13. Review status: criteria provided, single submitter. Criteria: GeneDx Variant Classification Process June 2021. Collection method: clinical testing. Allele origin: germline. Affected: yes.

Illumina Laboratory Services, Illumina
Classification: Likely benign for Biotin-responsive basal ganglia disease. Last evaluated: 2017-04-27. Review status: criteria provided, single submitter. Criteria: ICSL Variant Classification Criteria 13 December 2019. Collection method: clinical testing. Allele origin: germline.
Comment: This variant was observed as part of a predisposition screen in an ostensibly healthy population. A literature search was performed for the gene, cDNA change, and amino acid change (where applicable). No publications were found based on this search. Allele frequency data from public databases allowed determination this variant is unlikely to cause disease. Therefore, this variant is classified as likely benign.

Breakthrough Genomics
Classification: Likely benign. Review status: criteria provided, single submitter. Criteria: ACMG Guidelines, 2015. Collection method: not provided. Allele origin: germline. Inheritance: Autosomal recessive inheritance. Affected: yes.

PreventionGenetics, part of Exact Sciences
Classification: Benign for SLC19A3-related condition. Last evaluated: 2019-10-07. Review status: no assertion criteria provided. Collection method: clinical testing. Allele origin: germline. Not counted in ClinVar's aggregate classification.
Comment: This variant is classified as benign based on ACMG/AMP sequence variant interpretation guidelines (Richards et al. 2015 PMID: 25741868, with internal and published modifications).